The following is an entry in ClinVar:

ClinVar aggregate classification (germline): Uncertain significance. Review status: criteria provided, multiple submitters, no conflicts (2 of 4 stars). 2 submissions from 2 submitters: Uncertain significance (2). Last evaluated 2023-04-24.

Conditions:
Retinal macular dystrophy type 2 (MCDR2). Also called: Bull's eye macular dystrophy. Identifiers: Orphanet 319640, MedGen C4749334, MONDO:0011957, OMIM 608051.
Stargardt disease 4 (STGD4). Identifiers: Orphanet 827, MedGen C1863534, MONDO:0011370, OMIM 603786.
Cone-rod dystrophy 12 (CORD12). Identifiers: Orphanet 1872, MedGen C2675210, MONDO:0012983, OMIM 612657.
Retinitis pigmentosa 41 (RP41). Also called: RETINAL DEGENERATION, AUTOSOMAL RECESSIVE, PROMININ-RELATED. Identifiers: Orphanet 791, MedGen C2677516, MONDO:0012796, OMIM 612095.

Allele frequency attached by ClinVar (database versions not stated): gnomAD exomes 0.00001.
gnomAD v4.1: 8 of 1,613,946 alleles (0.0005%); highest among the groups gnomAD compares: South Asian, 0.0077%; no homozygotes.

Submissions (2):

Department of Pathology and Laboratory Medicine, Sinai Health System
Classification: Uncertain significance for Stargardt disease 4; Retinal macular dystrophy type 2; Retinitis pigmentosa 41; Cone-rod dystrophy 12. Last evaluated: 2023-04-24. Review status: criteria provided, single submitter. Criteria: ACMG Guidelines, 2015. Collection method: research. Allele origin: germline.

Labcorp Genetics (formerly Invitae), Labcorp
Classification: Uncertain significance. Last evaluated: 2021-07-24. Review status: criteria provided, single submitter. Criteria: Invitae Variant Classification Sherloc (09022015). Collection method: clinical testing. Allele origin: germline.
Comment: Algorithms developed to predict the effect of missense changes on protein structure and function output the following: SIFT: "Tolerated"; PolyPhen-2: "Possibly Damaging"; Align-GVGD: "Class C0". The methionine amino acid residue is found in multiple mammalian species, suggesting that this missense change does not adversely affect protein function. These predictions have not been confirmed by published functional studies and their clinical significance is uncertain. In summary, the available evidence is currently insufficient to determine the role of this variant in disease. Therefore, it has been classified as a Variant of Uncertain Significance. This variant has not been reported in the literature in individuals with PROM1-related conditions. This variant is not present in population databases (ExAC no frequency). This sequence change replaces valine with methionine at codon 178 of the PROM1 protein (p.Val178Met). The valine residue is moderately conserved and there is a small physicochemical difference between valine and methionine.

NM_006017.3(PROM1):c.532G>A (p.Val178Met)

Gene: PROM1 (prominin 1; minus strand). Cytogenetic location: 4p15.32.
Variant type: single nucleotide variant.
Coding change: c.532G>A on transcript NM_006017.3 (MANE Select); coding-DNA position 532, G replaced by A.
Protein change: p.Val178Met; replaces valine 178 with methionine.
Molecular consequence: missense variant.
Genome position (GRCh38, 1-based): chr4:16,025,290, C>T on the plus strand (G>A on the coding strand, the complement: PROM1 is on the minus strand). VCF-style: chr4-16025290-C-T. GRCh37 (hg19) VCF-style: chr4-16026913-C-T.
Other names: c.505G>A, p.Val169Met (NM_001145847.2, NM_001145848.2, NM_001145851.2 and 4 more transcripts); c.532G>A, p.Val178Met (NM_001145849.2, NM_001145850.2); short protein forms V178M, V169M.
Identifiers: ClinVar variation 1469811 (VCV001469811.9), dbSNP rs1340984327, ClinGen allele CA356424890.
Genomic context (GRCh38, chr4:16,025,290, plus strand): 5'-AATTGCTATCTGCCAGTTTCCGACTCCTTTTGATCCGGGTTCTTACCTGGTGATTTGCCA[C>T]AAAACCATAGAAGATGCCAATGCTGCAGGAAAAGGCAGAGAGAAGAAAGAGCATTTACTG-3'
Protein context (NP_006008.1, residues 168-188): IISIGIFYGF[Val178Met]ANHQVRTRIK